The following is an entry in ClinVar:

ClinVar aggregate classification (germline): Likely benign (1 of 4 stars; one submission).

Conditions:
Autosomal recessive proximal renal tubular acidosis (PRTAO). Also called: RTA, PROXIMAL, AUTOSOMAL RECESSIVE; RENAL TUBULAR ACIDOSIS, PROXIMAL, WITH OCULAR ABNORMALITIES AND MENTAL RETARDATION; RENAL TUBULAR ACIDOSIS, PROXIMAL, WITH OCULAR ABNORMALITIES AND IMPAIRED INTELLECTUAL DEVELOPMENT; PROXIMAL RENAL TUBULAR ACIDOSIS-OCULAR ANOMALY SYNDROME. Identifiers: Orphanet 93607, MedGen C1970309, MONDO:0011422, OMIM 604278.

Allele frequency attached by ClinVar (database versions not stated): gnomAD 0.00001 and 0.00054; TOPMed 0.00005; 1000 Genomes Project 0.00260; 1000 Genomes Project 30x 0.00312.

Submission:

Illumina Laboratory Services, Illumina
Classification: Likely benign for Autosomal recessive proximal renal tubular acidosis. Last evaluated: 2018-01-12. Review status: criteria provided, single submitter. Criteria: ICSL Variant Classification Criteria 13 December 2019. Collection method: clinical testing. Allele origin: germline.
Comment: This variant was observed in the ICSL laboratory as part of a predisposition screen in an ostensibly healthy population. It had not been previously curated by ICSL or reported in the Human Gene Mutation Database (HGMD: prior to June 1st, 2018), and was therefore a candidate for classification through an automated scoring system. Utilizing variant allele frequency, disease prevalence and penetrance estimates, and inheritance mode, an automated score was calculated to assess if this variant is too frequent to cause the disease. Based on the score and internal cut-off values, a variant classified as likely benign is not then subjected to further curation. The score for this variant resulted in a classification of likely benign for this disease.

NM_001098484.3(SLC4A4):c.*4028A>G

Gene: SLC4A4 (solute carrier family 4 member 4; plus strand). Cytogenetic location: 4q13.3.
Variant type: single nucleotide variant.
Coding change: c.*4028A>G on transcript NM_001098484.3 (MANE Select); 4028 bases downstream of the stop codon, A replaced by G.
Molecular consequence: 3 prime UTR variant.
Genome position (GRCh38, 1-based): chr4:71,571,779, A>G. VCF-style: chr4-71571779-A-G. GRCh37 (hg19) VCF-style: chr4-72437496-A-G.
Other names: c.*3886A>G (NM_001134742.2); c.*4028A>G (NM_003759.4).
Identifiers: ClinVar variation 349614 (VCV000349614.5), dbSNP rs565713938, ClinGen allele CA10619189.